The following is an entry in ClinVar:

NM_016373.4(WWOX):c.591C>G (p.Phe197Leu)

Gene: WWOX (WW domain containing oxidoreductase; plus strand). Cytogenetic location: 16q23.1.
Variant type: single nucleotide variant.
Coding change: c.591C>G on transcript NM_016373.4 (MANE Select); coding-DNA position 591, C replaced by G.
Protein change: p.Phe197Leu; replaces phenylalanine 197 with leucine.
Molecular consequence: missense variant.
Genome position (GRCh38, 1-based): chr16:78,386,934, C>G. VCF-style: chr16-78386934-C-G. GRCh37 (hg19) VCF-style: chr16-78420831-C-G.
Other names: c.252C>G, p.Phe84Leu (NM_001291997.2); short protein forms F197L, F84L.
Identifiers: ClinVar variation 426546 (VCV000426546.10), dbSNP rs200847456, ClinGen allele CA8183347.

ClinVar aggregate classification (germline): Uncertain significance. Review status: criteria provided, multiple submitters, no conflicts (2 of 4 stars). 5 submissions from 5 submitters: Uncertain significance (5). Last evaluated 2026-01-19.

Conditions:
Developmental and epileptic encephalopathy, 1 (DEE1). Also called: X-linked infantile spasms; West's syndrome; Tonic spasms with clustering, arrest of psychomotor development and hypsarrhythmia on EEG; X-Linked Infantile Spasm Syndrome; OHTAHARA SYNDROME, X-LINKED; INFANTILE SPASM SYNDROME, X-LINKED 1. Identifiers: MedGen C3463992, MONDO:0010632, OMIM 308350. Disease mechanism: loss of function.
Autosomal recessive spinocerebellar ataxia 12. Also called: SPINOCEREBELLAR ATAXIA WITH MENTAL RETARDATION AND EPILEPSY. Identifiers: Orphanet 284282, MedGen C3280452, MONDO:0013687, OMIM 614322.
Inborn genetic diseases. Identifiers: MedGen C0950123, MeSH D030342.
Malignant tumor of esophagus. Also called: Esophageal cancer, somatic; Esophageal cancer. Identifiers: Orphanet 99977, MedGen C0546837, MONDO:0007576, OMIM 133239.
Developmental and epileptic encephalopathy, 28 (DEE28). Also called: Epileptic encephalopathy, early infantile, 28. Identifiers: Orphanet 442835, MedGen C4015519, MONDO:0014533, OMIM 616211.

Allele frequency attached by ClinVar (database versions not stated): gnomAD exomes 0.00001 and 0.00003; ExAC 0.00005; ESP Exome Variant Server 0.00008; gnomAD 0.00008 and 0.00011; TOPMed 0.00018.
gnomAD v4.1: 21 of 1,613,976 alleles (0.0013%); highest among the groups gnomAD compares: African/African-American, 0.025%; no homozygotes.

Submissions (5):

Labcorp Genetics (formerly Invitae), Labcorp
Classification: Uncertain significance for Developmental and epileptic encephalopathy, 1; Autosomal recessive spinocerebellar ataxia 12. Last evaluated: 2026-01-19. Review status: criteria provided, single submitter. Criteria: Invitae Variant Classification Sherloc (09022015). Collection method: clinical testing. Allele origin: germline.
Comment: This sequence change replaces phenylalanine, which is neutral and non-polar, with leucine, which is neutral and non-polar, at codon 197 of the WWOX protein (p.Phe197Leu). This variant is present in population databases (rs200847456, gnomAD 0.04%). This variant has not been reported in the literature in individuals affected with WWOX-related conditions. ClinVar contains an entry for this variant (Variation ID: 426546). Invitae Evidence Modeling of protein sequence and biophysical properties (such as structural, functional, and spatial information, amino acid conservation, physicochemical variation, residue mobility, and thermodynamic stability) indicates that this missense variant is not expected to disrupt WWOX protein function with a negative predictive value of 80%. In summary, the available evidence is currently insufficient to determine the role of this variant in disease. Therefore, it has been classified as a Variant of Uncertain Significance.

Ambry Genetics
Classification: Uncertain significance for Inborn genetic diseases. Last evaluated: 2025-04-25. Review status: criteria provided, single submitter. Criteria: Ambry Variant Classification Scheme 2023. Collection method: clinical testing. Allele origin: germline.

GeneDx
Classification: Uncertain significance. Last evaluated: 2024-12-02. Review status: criteria provided, single submitter. Criteria: GeneDx Variant Classification Process June 2021. Collection method: clinical testing. Allele origin: germline. Affected: yes.
Comment: In silico analysis supports that this missense variant has a deleterious effect on protein structure/function; Has not been previously published as pathogenic or benign to our knowledge; This variant is associated with the following publications: (PMID: 25411445)

Fulgent Genetics
Classification: Uncertain significance for Malignant tumor of esophagus; Autosomal recessive spinocerebellar ataxia 12; Developmental and epileptic encephalopathy, 28. Last evaluated: 2021-08-19. Review status: criteria provided, single submitter. Criteria: ACMG Guidelines, 2015. Collection method: clinical testing. Allele origin: unknown.

Blueprint Genetics
Classification: Uncertain significance. Last evaluated: 2019-12-19. Review status: criteria provided, single submitter. Criteria: ACMG Guidelines, 2015. Collection method: clinical testing. Allele origin: germline.